The following is an entry in ClinVar:

ClinVar aggregate classification (germline): Uncertain significance (1 of 4 stars; one submission).

Submission:

Labcorp Genetics (formerly Invitae), Labcorp
Classification: Uncertain significance. Last evaluated: 2024-02-07. Review status: criteria provided, single submitter. Criteria: Invitae Variant Classification Sherloc (09022015). Collection method: clinical testing. Allele origin: germline.
Comment: This sequence change replaces leucine, which is neutral and non-polar, with glutamine, which is neutral and polar, at codon 2487 of the PCNT protein (p.Leu2487Gln). This variant is not present in population databases (gnomAD no frequency). This variant has not been reported in the literature in individuals affected with PCNT-related conditions. An algorithm developed to predict the effect of missense changes on protein structure and function (PolyPhen-2) suggests that this variant¬†is likely to be tolerated. In summary, the available evidence is currently insufficient to determine the role of this variant in disease. Therefore, it has been classified as a Variant of Uncertain Significance.

NM_006031.6(PCNT):c.7460T>A (p.Leu2487Gln)

Gene: PCNT (pericentrin; plus strand). Cytogenetic location: 21q22.3.
Variant type: single nucleotide variant.
Coding change: c.7460T>A on transcript NM_006031.6 (MANE Select); coding-DNA position 7460, T replaced by A.
Protein change: p.Leu2487Gln; replaces leucine 2487 with glutamine.
Molecular consequence: missense variant.
Genome position (GRCh38, 1-based): chr21:46,427,761, T>A. VCF-style: chr21-46427761-T-A. GRCh37 (hg19) VCF-style: chr21-47847675-T-A.
Other names: c.7106T>A, p.Leu2369Gln (NM_001315529.2); short protein forms L2369Q, L2487Q.
Identifiers: ClinVar variation 3686242 (VCV003686242.1).